The following is an entry in ClinVar:

ClinVar aggregate classification (germline): Likely benign. Review status: criteria provided, multiple submitters, no conflicts (2 of 4 stars). 3 submissions from 3 submitters: Likely benign (3). Last evaluated 2025-08-09.

Conditions:
Ataxia-telangiectasia syndrome (AT). Also called: AT, COMPLEMENTATION GROUP C; ATAXIA-TELANGIECTASIA, COMPLEMENTATION GROUP A; ATAXIA-TELANGIECTASIA, FRESNO VARIANT; LOUIS-BAR SYNDROME; Ataxia-telangiectasia; Cerebello-oculocutaneous telangiectasia. Identifiers: Orphanet 100, MedGen C0004135, MONDO:0008840, OMIM 208900.
Familial cancer of breast. Also called: BREAST CANCER, FAMILIAL; hereditary breast carcinoma; Hereditary breast cancer. Identifiers: Orphanet 227535, MedGen C0346153, MONDO:0016419, OMIM 114480. Disease mechanism: loss of function.

Submissions (3):

Labcorp Genetics (formerly Invitae), Labcorp
Classification: Likely benign for Ataxia-telangiectasia syndrome. Last evaluated: 2025-08-09. Review status: criteria provided, single submitter. Criteria: Invitae Variant Classification Sherloc (09022015). Collection method: clinical testing. Allele origin: germline.

Myriad Genetics, Inc.
Classification: Likely benign for Familial cancer of breast. Last evaluated: 2024-05-07. Review status: criteria provided, single submitter. Criteria: Myriad Autosomal Dominant, Autosomal Recessive and X-Linked Classification Criteria (2023). Collection method: clinical testing. Allele origin: unknown.
Comment: This variant is considered likely benign. This variant is intronic and is not expected to impact mRNA splicing.

GeneDx
Classification: Likely benign. Last evaluated: 2016-07-25. Review status: criteria provided, single submitter. Criteria: GeneDx Variant Classification (06012015). Collection method: clinical testing. Allele origin: germline. Affected: yes.
Comment: This variant is considered likely benign or benign based on one or more of the following criteria: it is a conservative change, it occurs at a poorly conserved position in the protein, it is predicted to be benign by multiple in silico algorithms, and/or has population frequency not consistent with disease.

NM_000051.4(ATM):c.2125-16T>C

Gene: ATM (ATM serine/threonine kinase; plus strand). Cytogenetic location: 11q22.3.
Variant type: single nucleotide variant.
Coding change: c.2125-16T>C on transcript NM_000051.4 (MANE Select); 16 bases into the intron before coding-DNA position 2125, T replaced by C.
Molecular consequence: intron variant.
Genome position (GRCh38, 1-based): chr11:108,256,199, T>C. VCF-style: chr11-108256199-T-C. GRCh37 (hg19) VCF-style: chr11-108126926-T-C.
Other names: c.2125-16T>C (NM_001351834.2).
Identifiers: ClinVar variation 388160 (VCV000388160.6), dbSNP rs1057523016, ClinGen allele CA16606035.